The following is an entry in ClinVar:

ClinVar aggregate classification (germline): Pathogenic (1 of 4 stars; one submission).

Submission:

Labcorp Genetics (formerly Invitae), Labcorp
Classification: Pathogenic. Last evaluated: 2022-06-28. Review status: criteria provided, single submitter. Criteria: Invitae Variant Classification Sherloc (09022015). Collection method: clinical testing. Allele origin: germline.
Comment: For these reasons, this variant has been classified as Pathogenic. Advanced modeling of protein sequence and biophysical properties (such as structural, functional, and spatial information, amino acid conservation, physicochemical variation, residue mobility, and thermodynamic stability) performed at Invitae indicates that this missense variant is expected to disrupt COMP protein function. This missense change has been observed in individual(s) with autosomal dominant pseudoachondroplasia and/or clinical features of COMP-related conditions (PMID: 12483304, 15756302). In at least one individual the variant was observed to be de novo. This variant is not present in population databases (gnomAD no frequency). This sequence change replaces cysteine, which is neutral and slightly polar, with tyrosine, which is neutral and polar, at codon 351 of the COMP protein (p.Cys351Tyr).

Literature cited by the submitters: PubMed 12483304; PubMed 15756302.

NM_000095.3(COMP):c.1052G>A (p.Cys351Tyr)

Gene: COMP (cartilage oligomeric matrix protein; minus strand). Cytogenetic location: 19p13.11.
Variant type: single nucleotide variant.
Coding change: c.1052G>A on transcript NM_000095.3 (MANE Select); coding-DNA position 1052, G replaced by A.
Protein change: p.Cys351Tyr; replaces cysteine 351 with tyrosine.
Molecular consequence: missense variant.
Genome position (GRCh38, 1-based): chr19:18,787,574, C>T on the plus strand (G>A on the coding strand, the complement: COMP is on the minus strand). VCF-style: chr19-18787574-C-T. GRCh37 (hg19) VCF-style: chr19-18898383-C-T.
Other names: short protein forms C351Y.
Identifiers: ClinVar variation 2138265 (VCV002138265.4), dbSNP rs2512850209, ClinGen allele CA404888339.
Genomic context (GRCh38, chr19:18,787,574, plus strand): 5'-CACGCATCGCCCCGGCCGTCCTGGTCTGTGTCCTTTTGGTCGTCGTTCTTCTGGGACCGG[C>T]AGTTGTCGCACGCATCGCCCCACTTGTCCTCGTCCGTGTTGCGCTGGTCTGGGTTCCGCA-3'
Protein context (NP_000086.2, residues 341-361): EDKWGDACDN[Cys351Tyr]RSQKNDDQKD